The following is an entry in ClinVar:

NM_024408.4(NOTCH2):c.6494C>T (p.Thr2165Ile)

Gene: NOTCH2 (notch receptor 2; minus strand). Cytogenetic location: 1p12.
Variant type: single nucleotide variant.
Coding change: c.6494C>T on transcript NM_024408.4 (MANE Select); coding-DNA position 6494, C replaced by T.
Protein change: p.Thr2165Ile; replaces threonine 2165 with isoleucine.
Molecular consequence: missense variant.
Genome position (GRCh38, 1-based): chr1:119,916,228, G>A on the plus strand (C>T on the coding strand, the complement: NOTCH2 is on the minus strand). VCF-style: chr1-119916228-G-A. GRCh37 (hg19) VCF-style: chr1-120458851-G-A.
Other names: short protein forms T2165I.
Identifiers: ClinVar variation 4744804 (VCV004744804.1).

ClinVar aggregate classification (germline): Uncertain significance (1 of 4 stars; one submission).

Conditions:
Hajdu-Cheney syndrome (HJCYS). Also called: SERPENTINE FIBULA-POLYCYSTIC KIDNEY SYNDROME; Acroosteolysis dominant type; ACROOSTEOLYSIS WITH OSTEOPOROSIS AND CHANGES IN SKULL AND MANDIBLE. Identifiers: Orphanet 955, MedGen C0917715, MONDO:0007057, OMIM 102500.

Submission:

Labcorp Genetics (formerly Invitae), Labcorp
Classification: Uncertain significance for Hajdu-Cheney syndrome. Last evaluated: 2025-11-24. Review status: criteria provided, single submitter. Criteria: Invitae Variant Classification Sherloc (09022015). Collection method: clinical testing. Allele origin: germline.
Comment: This sequence change replaces threonine, which is neutral and polar, with isoleucine, which is neutral and non-polar, at codon 2165 of the NOTCH2 protein (p.Thr2165Ile). This variant is not present in population databases (gnomAD no frequency). This variant has not been reported in the literature in individuals affected with NOTCH2-related conditions. Invitae Evidence Modeling of protein sequence and biophysical properties (such as structural, functional, and spatial information, amino acid conservation, physicochemical variation, residue mobility, and thermodynamic stability) indicates that this missense variant is not expected to disrupt NOTCH2 protein function with a negative predictive value of 80%. In summary, the available evidence is currently insufficient to determine the role of this variant in disease. Therefore, it has been classified as a Variant of Uncertain Significance.